The following is an entry in ClinVar:

ClinVar aggregate classification (germline): Uncertain significance (1 of 4 stars; one submission).

Conditions:
Kleefstra syndrome 1 (KLEFS1). Identifiers: Orphanet 261494, MedGen C0795833, MONDO:0027407, OMIM 610253.

Submission:

Labcorp Genetics (formerly Invitae), Labcorp
Classification: Uncertain significance for Kleefstra syndrome 1. Last evaluated: 2025-05-01. Review status: criteria provided, single submitter. Criteria: Invitae Variant Classification Sherloc (09022015). Collection method: clinical testing. Allele origin: germline.
Comment: This sequence change replaces lysine, which is basic and polar, with glutamic acid, which is acidic and polar, at codon 1262 of the EHMT1 protein (p.Lys1262Glu). This variant is not present in population databases (gnomAD no frequency). This variant has not been reported in the literature in individuals affected with EHMT1-related conditions. Invitae Evidence Modeling of protein sequence and biophysical properties (such as structural, functional, and spatial information, amino acid conservation, physicochemical variation, residue mobility, and thermodynamic stability) indicates that this missense variant is not expected to disrupt EHMT1 protein function with a negative predictive value of 80%. In summary, the available evidence is currently insufficient to determine the role of this variant in disease. Therefore, it has been classified as a Variant of Uncertain Significance.

NM_024757.5(EHMT1):c.3784A>G (p.Lys1262Glu)

Gene: EHMT1 (euchromatic histone lysine methyltransferase 1; plus strand). Cytogenetic location: 9q34.3.
Variant type: single nucleotide variant.
Coding change: c.3784A>G on transcript NM_024757.5 (MANE Select); coding-DNA position 3784, A replaced by G.
Protein change: p.Lys1262Glu; replaces lysine 1262 with glutamic acid.
Molecular consequence: missense variant.
Genome position (GRCh38, 1-based): chr9:137,834,840, A>G. VCF-style: chr9-137834840-A-G. GRCh37 (hg19) VCF-style: chr9-140729292-A-G.
Other names: c.3763A>G, p.Lys1255Glu (NM_001354263.2); short protein forms K1262E, K1255E.
Identifiers: ClinVar variation 4740164 (VCV004740164.1).